The following is an entry in ClinVar:

ClinVar aggregate classification (germline): Uncertain significance (1 of 4 stars; one submission).

Conditions:
Polyglucosan body myopathy type 1 (PGBM1). Also called: Polyglucosan body myopathy 1 with or without immunodeficiency; POLYGLUCOSAN BODY MYOPATHY WITHOUT IMMUNODEFICIENCY. Identifiers: Orphanet 329173, Orphanet 397937, MedGen C4014605, MONDO:0014389, OMIM 615895.

gnomAD v4.1: 7 of 1,613,904 alleles (0.00043%); highest among the groups gnomAD compares: Admixed American, 0.0033%; no homozygotes.

Submission:

Labcorp Genetics (formerly Invitae), Labcorp
Classification: Uncertain significance for Polyglucosan body myopathy type 1. Last evaluated: 2025-07-20. Review status: criteria provided, single submitter. Criteria: Invitae Variant Classification Sherloc (09022015). Collection method: clinical testing. Allele origin: germline.
Comment: This sequence change replaces threonine, which is neutral and polar, with methionine, which is neutral and non-polar, at codon 52 of the RBCK1 protein (p.Thr52Met). This variant is present in population databases (rs779329081, gnomAD 0.01%). This variant has not been reported in the literature in individuals affected with RBCK1-related conditions. Invitae Evidence Modeling of protein sequence and biophysical properties (such as structural, functional, and spatial information, amino acid conservation, physicochemical variation, residue mobility, and thermodynamic stability) indicates that this missense variant is not expected to disrupt RBCK1 protein function with a negative predictive value of 80%. In summary, the available evidence is currently insufficient to determine the role of this variant in disease. Therefore, it has been classified as a Variant of Uncertain Significance.

NM_031229.4(RBCK1):c.155C>T (p.Thr52Met)

Gene: RBCK1 (RANBP2-type and C3HC4-type zinc finger containing 1; plus strand). Cytogenetic location: 20p13.
Variant type: single nucleotide variant.
Coding change: c.155C>T on transcript NM_031229.4 (MANE Select); coding-DNA position 155, C replaced by T.
Protein change: p.Thr52Met; replaces threonine 52 with methionine.
Molecular consequence: missense variant. On other transcripts: 5 prime UTR variant (1), non-coding transcript variant (1), intron variant (2).
Genome position (GRCh38, 1-based): chr20:410,013, C>T. VCF-style: chr20-410013-C-T. GRCh37 (hg19) VCF-style: chr20-390657-C-T.
Other names: c.-195C>T (NM_001323956.2); c.155C>T, p.Thr52Met (NM_001323960.2); c.206C>T, p.Thr69Met (NM_001410770.1); c.41+1234C>T (NM_006462.6); c.-183+1234C>T (NM_001323958.2); short protein forms T69M, T52M.
Identifiers: ClinVar variation 4750166 (VCV004750166.1).
Genomic context (GRCh38, chr20:410,013, plus strand): 5'-TCTGGCTGGCAGAGCAACGGGTGCCCCTGAGTGTGCAACTGAAGCCTGAGGTCTCCCCAA[C>T]GCAGGACATCAGGTGAGGAGTGCATGGCTGGCCTGAACCCAAGGGACAGCAGGACAGGAT-3'
Protein context (NP_112506.2, residues 42-62): SVQLKPEVSP[Thr52Met]QDIRLWVSVE